The following is an entry in ClinVar:

NM_194255.4(SLC19A1):c.*640C>T

Gene: SLC19A1 (solute carrier family 19 member 1; minus strand). Cytogenetic location: 21q22.3.
Variant type: single nucleotide variant.
Coding change: c.*640C>T on transcript NM_194255.4 (MANE Select); 640 bases downstream of the stop codon, C replaced by T.
Molecular consequence: 3 prime UTR variant. On other transcripts: synonymous variant (2).
Genome position (GRCh38, 1-based): chr21:45,515,018, G>A on the plus strand (C>T on the coding strand, the complement: SLC19A1 is on the minus strand). VCF-style: chr21-45515018-G-A. GRCh37 (hg19) VCF-style: chr21-46934932-G-A.
Other names: c.1428C>T, p.Ala476= (NM_001205206.4, NM_001352511.3); c.*640C>T (NM_001205207.3, NM_001352510.2, NM_001352512.2).
Identifiers: ClinVar variation 3387870 (VCV003387870.14).
Genomic context (GRCh38, chr21:45,515,018, plus strand): 5'-CAGCTGAGGACCCGCAGGTCAGGATGGACACACTTCAGAAGGACAGACAGGACCATGGAG[G>A]GCTGCCCTTAGGGTGGGAGAGAGGAACCAGCTCCGAGGACCAGAGCCGCTGCTCCCCTCT-3'

ClinVar aggregate classification (germline): Benign (1 of 4 stars; one submission).

gnomAD v4.1: 17,653 of 1,535,268 alleles (1.1%); highest among the groups gnomAD compares: Non-Finnish European, 1.3%; 125 homozygotes.

Submission:

CeGaT Center for Human Genetics Tuebingen
Classification: Benign. Last evaluated: 2026-08-01. Review status: criteria provided, single submitter. Criteria: CeGaT Center For Human Genetics Tuebingen Variant Classification Criteria Version 2. Collection method: clinical testing. Allele origin: germline. Affected: yes. Observed: 6 variant alleles.
Comment: SLC19A1: BS1, BS2